The following is an entry in ClinVar:

ClinVar aggregate classification (germline): Uncertain significance (1 of 4 stars; one submission).

Submission:

Labcorp Genetics (formerly Invitae), Labcorp
Classification: Uncertain significance. Last evaluated: 2022-05-31. Review status: criteria provided, single submitter. Criteria: Invitae Variant Classification Sherloc (09022015). Collection method: clinical testing. Allele origin: germline.
Comment: This sequence change replaces asparagine, which is neutral and polar, with isoleucine, which is neutral and non-polar, at codon 2 of the USH2A protein (p.Asn2Ile). This variant is present in population databases (no rsID available, gnomAD 1.2%). This variant has not been reported in the literature in individuals affected with USH2A-related conditions. Algorithms developed to predict the effect of missense changes on protein structure and function are either unavailable or do not agree on the potential impact of this missense change (SIFT: "Not Available"; PolyPhen-2: "Benign"; Align-GVGD: "Not Available"). In summary, the available evidence is currently insufficient to determine the role of this variant in disease. Therefore, it has been classified as a Variant of Uncertain Significance.

NM_206933.4(USH2A):c.5_6delinsTA (p.Asn2Ile)

Gene: USH2A (usherin; minus strand). Cytogenetic location: 1q41.
Variant type: Indel.
Coding change: c.5_6delinsTA on transcript NM_206933.4 (MANE Select); coding-DNA positions 5 to 6, AT replaced by TA.
Protein change: p.Asn2Ile; replaces asparagine 2 with isoleucine.
Molecular consequence: missense variant.
Genome position (GRCh38, 1-based): chr1:216,422,331-216,422,332, AT replaced by TA on the plus strand (AT replaced by TA on the coding strand, the reverse complement: USH2A is on the minus strand). VCF-style: chr1-216422331-AT-TA. GRCh37 (hg19) VCF-style: chr1-216595673-AT-TA.
Other names: c.5_6delinsTA, p.Asn2Ile (NM_007123.6); short protein forms N2I.
Identifiers: ClinVar variation 2163028 (VCV002163028.1), dbSNP rs2527655968, ClinGen allele CA2580062173.